The following is an entry in ClinVar:

ClinVar aggregate classification (germline): Likely pathogenic (1 of 4 stars; one submission).

Conditions:
Familial cancer of breast. Also called: Hereditary breast cancer; hereditary breast carcinoma; BREAST CANCER, FAMILIAL. Identifiers: Orphanet 227535, MedGen C0346153, MONDO:0016419, OMIM 114480. Disease mechanism: loss of function.

Submission:

Labcorp Genetics (formerly Invitae), Labcorp
Classification: Likely pathogenic for Familial cancer of breast. Last evaluated: 2022-02-20. Review status: criteria provided, single submitter. Criteria: Invitae Variant Classification Sherloc (09022015). Collection method: clinical testing. Allele origin: germline.
Comment: In summary, the currently available evidence indicates that the variant is pathogenic, but additional data are needed to prove that conclusively. Therefore, this variant has been classified as Likely Pathogenic. This variant disrupts the nuclear localization signal (NLS) of the CHEK2 protein, which is critical for proper nuclear localization (PMID: 18004398, 12909615). While functional studies have not been performed to directly test the effect of this variant on CHEK2 protein function, this suggests that disruption of this region of the protein is causative of disease. Variants that disrupt the consensus splice site are a relatively common cause of aberrant splicing (PMID: 17576681, 9536098). Studies have shown that disruption of this splice site results in skipping of exon 15 and activation of a cryptic splice site and introduces a new termination codon (Invitae). However the mRNA is not expected to undergo nonsense-mediated decay. This variant has not been reported in the literature in individuals affected with CHEK2-related conditions. This variant is not present in population databases (gnomAD no frequency). This sequence change affects an acceptor splice site in intron 14 of the CHEK2 gene. RNA analysis indicates that disruption of this splice site induces altered splicing and likely disrupts the C-terminus of the protein.

Literature cited by the submitters: PubMed 18004398; PubMed 12909615; PubMed 17576681; PubMed 9536098.

NM_007194.4(CHEK2):c.1543-2A>G

Gene: CHEK2 (checkpoint kinase 2; minus strand). Cytogenetic location: 22q12.1.
Variant type: single nucleotide variant.
Coding change: c.1543-2A>G on transcript NM_007194.4 (MANE Select); the canonical splice acceptor site of the intron before coding-DNA position 1543, A replaced by G.
Molecular consequence: splice acceptor variant.
Genome position (GRCh38, 1-based): chr22:28,687,988, T>C on the plus strand (A>G on the coding strand, the complement: CHEK2 is on the minus strand). VCF-style: chr22-28687988-T-C. GRCh37 (hg19) VCF-style: chr22-29083976-T-C.
Other names: c.880-2A>G (NM_001437942.1, NM_001257387.3); c.1342-2A>G (NM_001349956.3); c.1456-2A>G (NM_145862.3); c.1549-2A>G (NM_001438295.1); c.1636-2A>G (NM_001438293.1); c.1585-2A>G (NM_001438294.1); c.1672-2A>G (NM_001005735.3).
Identifiers: ClinVar variation 2100380 (VCV002100380.4), dbSNP rs1160973224, ClinGen allele CA411091540.